The following is an entry in ClinVar:

ClinVar aggregate classification (germline): Uncertain significance. Review status: criteria provided, multiple submitters, no conflicts (2 of 4 stars). 3 submissions from 3 submitters: Uncertain significance (2). 1 of the submissions does not count toward it. Last evaluated 2022-08-21.

Conditions:
Autosomal recessive limb-girdle muscular dystrophy type 2D (LGMDR3). Also called: DUCHENNE-LIKE AUTOSOMAL RECESSIVE MUSCULAR DYSTROPHY, TYPE 2; ADHALINOPATHY, PRIMARY; MUSCULAR DYSTROPHY, LIMB-GIRDLE, AUTOSOMAL RECESSIVE 3. Identifiers: Orphanet 62, MedGen C2936332, MONDO:0011968, OMIM 608099. Disease mechanism: Affects gamma-sarcoglycan and also disrupts the integrity of the entire sarcoglycan complex..

Allele frequency attached by ClinVar (database versions not stated): TOPMed below 0.00001; gnomAD 0.00001; gnomAD exomes 0.00001 and 0.00002; ExAC 0.00003; 1000 Genomes Project 30x 0.00016.
gnomAD v4.1: 14 of 1,608,584 alleles (0.00087%); highest among the groups gnomAD compares: South Asian, 0.0055%; no homozygotes.

Submissions (3):

Labcorp Genetics (formerly Invitae), Labcorp
Classification: Uncertain significance for Autosomal recessive limb-girdle muscular dystrophy type 2D. Last evaluated: 2022-08-21. Review status: criteria provided, single submitter. Criteria: Invitae Variant Classification Sherloc (09022015). Collection method: clinical testing. Allele origin: germline.
Comment: This sequence change replaces arginine, which is basic and polar, with glutamine, which is neutral and polar, at codon 345 of the SGCA protein (p.Arg345Gln). This variant is present in population databases (rs771876078, gnomAD 0.007%). This variant has not been reported in the literature in individuals affected with SGCA-related conditions. ClinVar contains an entry for this variant (Variation ID: 970671). Advanced modeling of protein sequence and biophysical properties (such as structural, functional, and spatial information, amino acid conservation, physicochemical variation, residue mobility, and thermodynamic stability) performed at Invitae indicates that this missense variant is expected to disrupt SGCA protein function. In summary, the available evidence is currently insufficient to determine the role of this variant in disease. Therefore, it has been classified as a Variant of Uncertain Significance.

Breakthrough Genomics
Classification: Uncertain significance. Review status: criteria provided, single submitter. Criteria: ACMG Guidelines, 2015. Collection method: not provided. Allele origin: germline. Inheritance: Autosomal recessive inheritance. Affected: yes.

Natera, Inc.
Classification: Uncertain significance for Limb-girdle muscular dystrophy type 2D. Last evaluated: 2020-04-14. Review status: no assertion criteria provided. Collection method: clinical testing. Allele origin: germline. Not counted in ClinVar's aggregate classification.

NM_000023.4(SGCA):c.1034G>A (p.Arg345Gln)

Gene: SGCA (sarcoglycan alpha; plus strand). Cytogenetic location: 17q21.33.
Variant type: single nucleotide variant.
Coding change: c.1034G>A on transcript NM_000023.4 (MANE Select); coding-DNA position 1034, G replaced by A.
Protein change: p.Arg345Gln; replaces arginine 345 with glutamine.
Molecular consequence: missense variant. On other transcripts: non-coding transcript variant (1).
Genome position (GRCh38, 1-based): chr17:50,175,307, G>A. VCF-style: chr17-50175307-G-A. GRCh37 (hg19) VCF-style: chr17-48252668-G-A.
Other names: c.662G>A, p.Arg221Gln (NM_001135697.3); short protein forms R221Q, R345Q.
Identifiers: ClinVar variation 970671 (VCV000970671.7), dbSNP rs771876078, ClinGen allele CA8644069.